The following is an entry in ClinVar:

ClinVar aggregate classification (germline): Pathogenic (1 of 4 stars; one submission).

Submission:

Labcorp Genetics (formerly Invitae), Labcorp
Classification: Pathogenic. Last evaluated: 2021-11-28. Review status: criteria provided, single submitter. Criteria: Invitae Variant Classification Sherloc (09022015). Collection method: clinical testing. Allele origin: germline.
Comment: This sequence change creates a premature translational stop signal (p.Pro3Argfs*121) in the COL18A1 gene. It is expected to result in an absent or disrupted protein product. Loss-of-function variants in COL18A1 are known to be pathogenic (PMID: 12415512, 25456301). For these reasons, this variant has been classified as Pathogenic. This variant has not been reported in the literature in individuals affected with COL18A1-related conditions. This variant is not present in population databases (gnomAD no frequency).

Literature cited by the submitters: PubMed 12415512; PubMed 25456301.

NM_001379500.1(COL18A1):c.8del (p.Pro3fs)

Genes: BNAT1 (breast cancer associated ESR1 regulating natural antisense transcript 1; minus strand), COL18A1 (collagen type XVIII alpha 1 chain; plus strand). Cytogenetic location: 21q22.3.
Variant type: Deletion.
Coding change: c.8del on transcript NM_001379500.1 (MANE Select); coding-DNA position 8, one base deleted (C; older notation c.8delC).
Protein change: p.Pro3fs; shifts the reading frame from proline 3.
Molecular consequence: frameshift variant.
Genome position (GRCh38, 1-based): chr21:45,405,238, C deleted; the last of 2 consecutive C bases (chr21:45,405,237-45,405,238); deleting either gives the same sequence. VCF-style (leftmost placement, unchanged base first): chr21-45405236-GC-G. GRCh37 (hg19) VCF-style: chr21-46825151-GC-G.
Other names: short protein forms P3fs.
Identifiers: ClinVar variation 1452520 (VCV001452520.6), dbSNP rs2123480563, ClinGen allele CA2573157560.